The following is an entry in ClinVar:

NM_205768.3(ZBTB18):c.1147del (p.Leu383fs)

Gene: ZBTB18 (zinc finger and BTB domain containing 18; plus strand). Cytogenetic location: 1q44.
Variant type: Deletion.
Coding change: c.1147del on transcript NM_205768.3 (MANE Select); coding-DNA position 1147, one base deleted (C; older notation c.1147delC).
Protein change: p.Leu383fs; shifts the reading frame from leucine 383.
Molecular consequence: frameshift variant.
Genome position (GRCh38, 1-based): chr1:244,054,921, C deleted; the last of 5 consecutive C bases (chr1:244,054,917-244,054,921); deleting any one gives the same sequence. VCF-style (leftmost placement, unchanged base first): chr1-244054916-GC-G. GRCh37 (hg19) VCF-style: chr1-244218218-GC-G.
Other names: c.1120del, p.Leu374fs (NM_001278196.2); c.1120delC, p.Leu374Cysfs (NM_006352.5); short protein forms L374fs, L383fs.
Identifiers: ClinVar variation 987144 (VCV000987144.5), dbSNP rs1698428309, ClinGen allele CA645516229.

ClinVar aggregate classification (germline): Likely pathogenic. Review status: criteria provided, multiple submitters, no conflicts (2 of 4 stars). 2 submissions from 2 submitters: Likely pathogenic (2). Last evaluated 2022-08-09.

Conditions:
Intellectual developmental disorder, autosomal dominant 22. Also called: Intellectual disability, autosomal dominant 22. Identifiers: MedGen CN029689, MONDO:0012869, OMIM 612337.

Submissions (2):

Greenwood Genetic Center Diagnostic Laboratories, Greenwood Genetic Center
Classification: Likely pathogenic for Intellectual developmental disorder, autosomal dominant 22. Last evaluated: 2022-08-09. Review status: criteria provided, single submitter. Criteria: ACMG Guidelines, 2015. Collection method: clinical testing. Allele origin: germline. Affected: yes.
Comment: PVS1, PM2

Institute of Medical Genetics and Applied Genomics, University Hospital Tübingen
Classification: Likely pathogenic. Last evaluated: 2020-10-23. Review status: criteria provided, single submitter. Criteria: ACMG Guidelines, 2015. Collection method: clinical testing. Allele origin: germline. Inheritance: Autosomal dominant inheritance. Affected: yes.